The following is an entry in ClinVar:

ClinVar aggregate classification (germline): Pathogenic/Likely pathogenic. Review status: criteria provided, multiple submitters, no conflicts (2 of 4 stars). 5 submissions from 5 submitters: Pathogenic (2); Likely pathogenic (3). Last evaluated 2026-08-24.

Conditions:
Glycogen storage disease, type V (GSD5). Also called: McArdle type glycogen storage disease; PYGM DEFICIENCY; MCARDLE DISEASE; MUSCLE GLYCOGEN PHOSPHORYLASE DEFICIENCY; MYOPHOSPHORYLASE DEFICIENCY. Identifiers: Orphanet 368, MedGen C0017924, MONDO:0009293, OMIM 232600.

Submissions (5):

Diagnostics Services (NGS), CSIR - Centre For Cellular And Molecular Biology
Classification: Likely pathogenic for Glycogen storage disease, type V. Last evaluated: 2026-08-24. Review status: criteria provided, single submitter. Criteria: ACMG Guidelines, 2015. Collection method: clinical testing. Allele origin: germline. Affected: no. Observed: 1 variant allele, 1 heterozygote.

Natera, Inc.
Classification: Likely pathogenic for Glycogen storage disease V. Last evaluated: 2026-01-21. Review status: criteria provided, single submitter. Criteria: Natera Variant Classification Schema (03/2026). Collection method: clinical testing. Allele origin: germline.
Comment: The c.2379+2_2379+3delTGinsAT variant in PYGM is a canonical splice donor site variant predicted to affect pre-mRNA splicing, which may result in an abnormal transcript and altered protein product. This variant is expected to result in nonsense mediated decay, truncation, or a dysfunctional protein product. This variant is rare in the general population with a frequency below the threshold expected for the associated phenotype(s). This variant has been observed in one or more individuals affected with the associated recessive disease, as either homozygous or compound heterozygous with a second variant (PMID: 31080931). Given the available evidence, this variant is classified as Likely Pathogenic.

Baylor Genetics
Classification: Likely pathogenic for Glycogen storage disease, type V. Last evaluated: 2023-06-14. Review status: criteria provided, single submitter. Criteria: ACMG Guidelines, 2015. Collection method: clinical testing. Allele origin: unknown.

Labcorp Genetics (formerly Invitae), Labcorp
Classification: Pathogenic for Glycogen storage disease, type V. Last evaluated: 2022-08-04. Review status: criteria provided, single submitter. Criteria: Invitae Variant Classification Sherloc (09022015). Collection method: clinical testing. Allele origin: germline.
Comment: For these reasons, this variant has been classified as Pathogenic. This variant disrupts a region of the PYGM protein in which other variant(s) (p.Trp798Arg) have been determined to be pathogenic (PMID: 17630210, 17994553, 21802952). This suggests that this is a clinically significant region of the protein, and that variants that disrupt it are likely to be disease-causing. Variants that disrupt the consensus splice site are a relatively common cause of aberrant splicing (PMID: 17576681, 9536098). ClinVar contains an entry for this variant (Variation ID: 1323509). Disruption of this splice site has been observed in individual(s) with McArdle disease (PMID: 31080931). Information on the frequency of this variant in the gnomAD database is not available, as this variant may be reported differently in the database. This sequence change affects a splice site in intron 19 of the PYGM gene. While this variant is not anticipated to result in nonsense mediated decay, it likely alters RNA splicing and results in a disrupted protein product.

Revvity Omics, Revvity
Classification: Pathogenic for Glycogen storage disease, type V. Last evaluated: 2021-06-22. Review status: criteria provided, single submitter. Criteria: ACMG Guidelines, 2015. Collection method: clinical testing. Allele origin: germline.

Literature cited by the submitters: PubMed 31080931 (cited by Natera, Inc. and Labcorp Genetics (formerly Invitae), Labcorp); PubMed 17630210 (cited by Labcorp Genetics (formerly Invitae), Labcorp); PubMed 17994553 (cited by Labcorp Genetics (formerly Invitae), Labcorp); PubMed 21802952 (cited by Labcorp Genetics (formerly Invitae), Labcorp); PubMed 17576681 (cited by Labcorp Genetics (formerly Invitae), Labcorp); PubMed 9536098 (cited by Labcorp Genetics (formerly Invitae), Labcorp).

NM_005609.4(PYGM):c.2379+2_2379+3delinsAT

Gene: PYGM (glycogen phosphorylase, muscle associated; minus strand). Cytogenetic location: 11q13.1.
Variant type: Indel.
Coding change: c.2379+2_2379+3delinsAT on transcript NM_005609.4 (MANE Select); the canonical splice donor site of the intron after coding-DNA position 2379 through 3 bases into the intron after coding-DNA position 2379, TG replaced by AT.
Molecular consequence: splice donor variant.
Genome position (GRCh38, 1-based): chr11:64,746,918-64,746,919, CA replaced by AT on the plus strand (TG replaced by AT on the coding strand, the reverse complement: PYGM is on the minus strand). VCF-style: chr11-64746918-CA-AT. GRCh37 (hg19) VCF-style: chr11-64514390-CA-AT.
Other names: c.2115+2_2115+3delinsAT (NM_001164716.1); c.2379+2_2379+3delTGinsAT (NM_005609.3).
Identifiers: ClinVar variation 1323509 (VCV001323509.13), dbSNP rs2135823216, ClinGen allele CA2573053535.
Genomic context (GRCh38, chr11:64,746,918, plus strand): 5'-CTTCTGCCTCATCCCAACCAGGGCCACCAAAGCCCTGCCAACCCCTGGCCCAGGACCCCT[CA>AT]CCTTGTACAAGGCGCTGACTTTCTCCTGGCATTTAATGTAGTCTTCATAATCTGCGAAGA-3'